The following is an entry in ClinVar:

NM_015058.2(VWA8):c.566T>G (p.Leu189Trp)

Gene: VWA8 (von Willebrand factor A domain containing 8; minus strand). Cytogenetic location: 13q14.11.
Variant type: single nucleotide variant.
Coding change: c.566T>G on transcript NM_015058.2 (MANE Select); coding-DNA position 566, T replaced by G.
Protein change: p.Leu189Trp; replaces leucine 189 with tryptophan.
Molecular consequence: missense variant.
Genome position (GRCh38, 1-based): chr13:41,891,505, A>C on the plus strand (T>G on the coding strand, the complement: VWA8 is on the minus strand). VCF-style: chr13-41891505-A-C. GRCh37 (hg19) VCF-style: chr13-42465641-A-C.
Other names: c.566T>G, p.Leu189Trp (NM_001009814.2); short protein forms L189W.
Identifiers: ClinVar variation 3778412 (VCV003778412.7).

ClinVar aggregate classification (germline): Uncertain significance (1 of 4 stars; one submission).

gnomAD v4.1: 1 of 1,614,110 alleles (0.000062%); highest among the groups gnomAD compares: Non-Finnish European, 0.000085%; no homozygotes.

Submission:

CeGaT Center for Human Genetics Tuebingen
Classification: Uncertain significance. Last evaluated: 2025-03-01. Review status: criteria provided, single submitter. Criteria: CeGaT Center For Human Genetics Tuebingen Variant Classification Criteria Version 2. Collection method: clinical testing. Allele origin: germline. Affected: yes. Observed: 1 variant allele.
Comment: VWA8: PM2, PP3